The following is an entry in ClinVar:

NM_004946.3(DOCK2):c.2782C>T (p.Arg928Trp)

Gene: DOCK2 (dedicator of cytokinesis 2; plus strand). Cytogenetic location: 5q35.1.
Variant type: single nucleotide variant.
Coding change: c.2782C>T on transcript NM_004946.3 (MANE Select); coding-DNA position 2782, C replaced by T.
Protein change: p.Arg928Trp; replaces arginine 928 with tryptophan.
Molecular consequence: missense variant. On other transcripts: non-coding transcript variant (1).
Genome position (GRCh38, 1-based): chr5:169,840,835, C>T. VCF-style: chr5-169840835-C-T. GRCh37 (hg19) VCF-style: chr5-169267839-C-T.
Other names: short protein forms R928W.
Identifiers: ClinVar variation 1028822 (VCV001028822.4), dbSNP rs200070944, ClinGen allele CA3553843.

ClinVar aggregate classification (germline): Uncertain significance. Review status: criteria provided, multiple submitters, no conflicts (2 of 4 stars). 2 submissions from 2 submitters: Uncertain significance (2). Last evaluated 2021-09-01.

Conditions:
DOCK2 deficiency. Also called: Immunodeficiency 40. Identifiers: Orphanet 447737, MedGen C4225328, MONDO:0014637, OMIM 616433.

Allele frequency attached by ClinVar (database versions not stated): gnomAD exomes 0.00001 and 0.00002; ExAC 0.00002; gnomAD 0.00002; TOPMed 0.00002.
gnomAD v4.1: 25 of 1,613,750 alleles (0.0015%); highest among the groups gnomAD compares: African/African-American, 0.0053%; no homozygotes.

Submissions (2):

Labcorp Genetics (formerly Invitae), Labcorp
Classification: Uncertain significance for DOCK2 deficiency. Last evaluated: 2021-09-01. Review status: criteria provided, single submitter. Criteria: Invitae Variant Classification Sherloc (09022015). Collection method: clinical testing. Allele origin: germline.

Baylor Genetics
Classification: Uncertain significance for DOCK2 deficiency. Last evaluated: 2019-12-30. Review status: criteria provided, single submitter. Criteria: ACMG Guidelines, 2015. Collection method: clinical testing. Allele origin: unknown. Affected: yes.
Comment: This variant was determined to be of uncertain significance according to ACMG Guidelines, 2015 [PMID:25741868].